The following is an entry in ClinVar:

ClinVar aggregate classification (germline): Uncertain significance (1 of 4 stars; one submission).

Allele frequency attached by ClinVar (database versions not stated): TOPMed below 0.00001.

Submission:

Labcorp Genetics (formerly Invitae), Labcorp
Classification: Uncertain significance. Last evaluated: 2025-12-23. Review status: criteria provided, single submitter. Criteria: Invitae Variant Classification Sherloc (09022015). Collection method: clinical testing. Allele origin: germline.
Comment: This sequence change replaces leucine, which is neutral and non-polar, with proline, which is neutral and non-polar, at codon 78 of the GSN protein (p.Leu78Pro). This variant is not present in population databases (gnomAD no frequency). This variant has not been reported in the literature in individuals affected with GSN-related conditions. ClinVar contains an entry for this variant (Variation ID: 2967855). An algorithm developed to predict the effect of missense changes on protein structure and function (PolyPhen-2) suggests that this variant is likely to be disruptive. In summary, the available evidence is currently insufficient to determine the role of this variant in disease. Therefore, it has been classified as a Variant of Uncertain Significance.

NM_198252.3(GSN):c.80T>C (p.Leu27Pro)

Gene: GSN (gelsolin; plus strand). Cytogenetic location: 9q33.2.
Variant type: single nucleotide variant.
Coding change: c.80T>C on transcript NM_198252.3 (MANE Select); coding-DNA position 80, T replaced by C.
Protein change: p.Leu27Pro; replaces leucine 27 with proline.
Molecular consequence: missense variant. On other transcripts: intron variant (1).
Genome position (GRCh38, 1-based): chr9:121,302,051, T>C. VCF-style: chr9-121302051-T-C. GRCh37 (hg19) VCF-style: chr9-124064329-T-C.
Other names: c.80T>C, p.Leu27Pro (NM_001353061.2, NM_001353062.1, NM_001127662.2 and 10 more transcripts); c.113T>C, p.Leu38Pro (NM_001353063.2, NM_001353064.2, NM_001353065.2 and 13 more transcripts); c.152T>C, p.Leu51Pro (NM_001353076.2); c.-458-860T>C (NM_001353078.2); c.233T>C, p.Leu78Pro (NM_000177.5); c.188T>C, p.Leu63Pro (NM_001127663.2); c.131T>C, p.Leu44Pro (NM_001258029.2); c.104T>C, p.Leu35Pro (NM_001258030.2); short protein forms L27P, L35P, L38P, L44P, L51P, L63P, L78P.
Identifiers: ClinVar variation 2967855 (VCV002967855.3), dbSNP rs1487723595, ClinGen allele CA374731551.
Genomic context (GRCh38, chr9:121,302,051, plus strand): 5'-AGTTCCTCAAGGCAGGGAAGGAGCCTGGCCTGCAGATCTGGCGTGTGGAGAAGTTCGATC[T>C]GGTGCCCGTGCCCACCAACCTTTATGGAGACTTCTTCACGGGCGACGCCTACGTCATCCT-3'
Protein context (NP_937895.1, residues 17-37): LQIWRVEKFD[Leu27Pro]VPVPTNLYGD